The following is an entry in ClinVar:

Conditions:
Arteriohepatic dysplasia. Also called: Alagille Syndrome. Identifiers: Orphanet 52, MedGen C0085280, MeSH D016738, MONDO:0007318.

Submission:

Gilbert/Spinner Lab, Children's Hospital of Philadelphia
No classification provided (evidence only). Condition: Alagille syndrome. Review status: no classification provided. Collection method: research. Allele origin: not applicable. Functional consequence: functionally_abnormal.
ClinVar note: "not provided" was previously submitted as the classification for the variant. However, the classification appeared to be based only on an observation of functional data so it was converted to no classification on 2025-07-30.

NM_000214.3(JAG1):c.898T>C (p.Cys300Arg)

Gene: JAG1 (jagged canonical Notch ligand 1; minus strand). Cytogenetic location: 20p12.2.
Variant type: single nucleotide variant.
Coding change: c.898T>C on transcript NM_000214.3 (MANE Select); coding-DNA position 898, T replaced by C.
Protein change: p.Cys300Arg; replaces cysteine 300 with arginine.
Molecular consequence: missense variant.
Genome position (GRCh38, 1-based): chr20:10,652,239, A>G on the plus strand (T>C on the coding strand, the complement: JAG1 is on the minus strand). VCF-style: chr20-10652239-A-G. GRCh37 (hg19) VCF-style: chr20-10632887-A-G.
Other names: short protein forms C300R.
Identifiers: ClinVar variation 3573174 (VCV003573174.2).